The following is an entry in ClinVar:

NM_004699.4(FAM50A):c.118A>T (p.Ile40Phe)

Gene: FAM50A (family with sequence similarity 50 member A; plus strand). Cytogenetic location: Xq28.
Variant type: single nucleotide variant.
Coding change: c.118A>T on transcript NM_004699.4 (MANE Select); coding-DNA position 118, A replaced by T.
Protein change: p.Ile40Phe; replaces isoleucine 40 with phenylalanine.
Molecular consequence: missense variant.
Genome position (GRCh38, 1-based): chrX:154,445,639, A>T. VCF-style: chrX-154445639-A-T. GRCh37 (hg19) VCF-style: chrX-153673987-A-T.
Other names: c.118A>T (NM_004699.3); short protein forms I40F.
Identifiers: ClinVar variation 4619106 (VCV004619106.2).

ClinVar aggregate classification (germline): Uncertain significance. Review status: criteria provided, multiple submitters, no conflicts (2 of 4 stars). 2 submissions from 2 submitters: Uncertain significance (2). Last evaluated 2025-10-14.

Conditions:
Inborn genetic diseases. Identifiers: MedGen C0950123, MeSH D030342.

Submissions (2):

Ambry Genetics
Classification: Uncertain significance for Inborn genetic diseases. Last evaluated: 2025-10-14. Review status: criteria provided, single submitter. Criteria: Ambry Variant Classification Scheme 2023. Collection method: clinical testing. Allele origin: germline.

GeneDx
Classification: Uncertain significance. Last evaluated: 2025-07-29. Review status: criteria provided, single submitter. Criteria: GeneDx Variant Classification Process June 2021. Collection method: clinical testing. Allele origin: germline. Affected: yes.
Comment: In silico analysis suggests that this missense variant does not alter protein structure/function; Has not been previously published as pathogenic or benign to our knowledge